The following is an entry in ClinVar:

ClinVar aggregate classification (germline): Uncertain significance (1 of 4 stars; one submission).

Submission:

GeneDx
Classification: Uncertain significance. Last evaluated: 2024-11-26. Review status: criteria provided, single submitter. Criteria: GeneDx Variant Classification Process June 2021. Collection method: clinical testing. Allele origin: germline. Affected: yes.
Comment: Not observed at significant frequency in large population cohorts (gnomAD); In silico analysis supports that this missense variant has a deleterious effect on protein structure/function; Has not been previously published as pathogenic or benign to our knowledge

NM_000540.3(RYR1):c.10897G>C (p.Val3633Leu)

Gene: RYR1 (ryanodine receptor 1; plus strand). Cytogenetic location: 19q13.2.
Variant type: single nucleotide variant.
Coding change: c.10897G>C on transcript NM_000540.3 (MANE Select); coding-DNA position 10897, G replaced by C.
Protein change: p.Val3633Leu; replaces valine 3633 with leucine.
Molecular consequence: missense variant.
Genome position (GRCh38, 1-based): chr19:38,528,378, G>C. VCF-style: chr19-38528378-G-C. GRCh37 (hg19) VCF-style: chr19-39019018-G-C.
Other names: c.10882G>C, p.Val3628Leu (NM_001042723.2); short protein forms V3628L, V3633L.
Identifiers: ClinVar variation 3900927 (VCV003900927.1).